The following is an entry in ClinVar:

NM_002878.4(RAD51D):c.307A>G (p.Thr103Ala)

Genes: RAD51L3-RFFL (RAD51L3-RFFL readthrough; minus strand), RAD51D (RAD51 paralog D; minus strand). Cytogenetic location: 17q12.
Variant type: single nucleotide variant.
Coding change: c.307A>G on transcript NM_002878.4 (MANE Select); coding-DNA position 307, A replaced by G.
Protein change: p.Thr103Ala; replaces threonine 103 with alanine.
Molecular consequence: missense variant. On other transcripts: non-coding transcript variant (2), intron variant (1).
Genome position (GRCh38, 1-based): chr17:35,107,404, T>C on the plus strand (A>G on the coding strand, the complement: RAD51D is on the minus strand). VCF-style: chr17-35107404-T-C. GRCh37 (hg19) VCF-style: chr17-33434423-T-C.
Other names: c.367A>G, p.Thr123Ala (NM_001142571.2); c.145-923A>G (NM_133629.3); short protein forms T103A, T123A.
Identifiers: ClinVar variation 472597 (VCV000472597.25), dbSNP rs781378161, ClinGen allele CA8499519.

ClinVar aggregate classification (germline): Uncertain significance. Review status: criteria provided, multiple submitters, no conflicts (2 of 4 stars). 6 submissions from 6 submitters: Uncertain significance (5). 1 of the submissions does not count toward it. Last evaluated 2025-12-18.

Conditions:
RAD51D-related disorder. Also called: RAD51D-related condition.
Breast-ovarian cancer, familial, susceptibility to, 4. Identifiers: Orphanet 145, MedGen C3280345, MONDO:0013669, OMIM 614291.
Hereditary cancer-predisposing syndrome. Also called: Neoplastic Syndromes, Hereditary; Tumor predisposition; Hereditary Cancer Syndrome; Hereditary neoplastic syndrome. Identifiers: Orphanet 140162, MedGen C0027672, MeSH D009386, MONDO:0015356.

Allele frequency attached by ClinVar (database versions not stated): gnomAD exomes below 0.00001 and 0.00001; ExAC 0.00002; TOPMed 0.00002; gnomAD 0.00005.
gnomAD v4.1: 13 of 1,566,862 alleles (0.00083%); highest among the groups gnomAD compares: African/African-American, 0.018%; no homozygotes.

Submissions (6):

Labcorp Genetics (formerly Invitae), Labcorp
Classification: Uncertain significance for Breast-ovarian cancer, familial, susceptibility to, 4. Last evaluated: 2025-12-18. Review status: criteria provided, single submitter. Criteria: Invitae Variant Classification Sherloc (09022015). Collection method: clinical testing. Allele origin: germline.
Comment: This sequence change replaces threonine, which is neutral and polar, with alanine, which is neutral and non-polar, at codon 103 of the RAD51D protein (p.Thr103Ala). This variant is present in population databases (rs781378161, gnomAD 0.02%). This variant has not been reported in the literature in individuals affected with RAD51D-related conditions. ClinVar contains an entry for this variant (Variation ID: 472597). Invitae Evidence Modeling of protein sequence and biophysical properties (such as structural, functional, and spatial information, amino acid conservation, physicochemical variation, residue mobility, and thermodynamic stability) indicates that this missense variant is not expected to disrupt RAD51D protein function with a negative predictive value of 80%. In summary, the available evidence is currently insufficient to determine the role of this variant in disease. Therefore, it has been classified as a Variant of Uncertain Significance.

Color Diagnostics, LLC DBA Color Health
Classification: Uncertain significance for Hereditary cancer-predisposing syndrome. Last evaluated: 2024-03-06. Review status: criteria provided, single submitter. Criteria: ACMG Guidelines, 2015. Collection method: clinical testing. Allele origin: germline.
Comment: This missense variant replaces threonine with alanine at codon 103 of the RAD51D protein. Computational prediction is inconclusive regarding the impact of this variant on protein structure and function (internally defined REVEL score threshold 0.5 < inconclusive < 0.7, PMID: 27666373). To our knowledge, functional studies have not been reported for this variant. This variant has not been reported in individuals affected with hereditary cancer in the literature. This variant has been identified in 5/282706 chromosomes in the general population by the Genome Aggregation Database (gnomAD). The available evidence is insufficient to determine the role of this variant in disease conclusively. Therefore, this variant is classified as a Variant of Uncertain Significance.

Ambry Genetics
Classification: Uncertain significance for Hereditary cancer-predisposing syndrome. Last evaluated: 2024-03-05. Review status: criteria provided, single submitter. Criteria: Ambry Variant Classification Scheme 2023. Collection method: clinical testing. Allele origin: germline.
Comment: The p.T103A variant (also known as c.307A>G), located in coding exon 4 of the RAD51D gene, results from an A to G substitution at nucleotide position 307. The threonine at codon 103 is replaced by alanine, an amino acid with similar properties. This amino acid position is highly conserved in available vertebrate species. In addition, the in silico prediction for this alteration is inconclusive. Since supporting evidence is limited at this time, the clinical significance of this alteration remains unclear.

Baylor Genetics
Classification: Uncertain significance for Breast-ovarian cancer, familial, susceptibility to, 4. Last evaluated: 2024-02-29. Review status: criteria provided, single submitter. Criteria: ACMG Guidelines, 2015. Collection method: clinical testing. Allele origin: unknown.

GeneDx
Classification: Uncertain significance. Last evaluated: 2022-05-11. Review status: criteria provided, single submitter. Criteria: GeneDx Variant Classification Process June 2021. Collection method: clinical testing. Allele origin: germline. Affected: yes.
Comment: Not observed at significant frequency in large population cohorts (gnomAD); In silico analysis supports that this missense variant has a deleterious effect on protein structure/function; Has not been previously published as pathogenic or benign to our knowledge; This variant is associated with the following publications: (PMID: 14704354, 21111057)

PreventionGenetics, part of Exact Sciences
Classification: Uncertain significance for RAD51D-related condition. Last evaluated: 2023-11-09. Review status: no assertion criteria provided. Collection method: clinical testing. Allele origin: germline. Not counted in ClinVar's aggregate classification.
Comment: The RAD51D c.307A>G variant is predicted to result in the amino acid substitution p.Thr103Ala. To our knowledge, this variant has not been reported in the literature. This variant is reported in 0.020% of alleles in individuals of African descent in gnomAD and has been interpreted as uncertain in ClinVar. At this time, the clinical significance of this variant is uncertain due to the absence of conclusive functional and genetic evidence.